The following is an entry in ClinVar:

NM_002108.4(HAL):c.1106G>A (p.Arg369Gln)

Gene: HAL (histidine ammonia-lyase; minus strand). Cytogenetic location: 12q23.1.
Variant type: single nucleotide variant.
Coding change: c.1106G>A on transcript NM_002108.4 (MANE Select); coding-DNA position 1106, G replaced by A.
Protein change: p.Arg369Gln; replaces arginine 369 with glutamine.
Molecular consequence: missense variant.
Genome position (GRCh38, 1-based): chr12:95,986,106, C>T on the plus strand (G>A on the coding strand, the complement: HAL is on the minus strand). VCF-style: chr12-95986106-C-T. GRCh37 (hg19) VCF-style: chr12-96379884-C-T.
Other names: NC_000012.11:g.96379884C>T; c.482G>A, p.Arg161Gln (NM_001258333.2); c.1106G>A, p.Arg369Gln (NM_001258334.2); short protein forms R369Q, R161Q.
Identifiers: ClinVar variation 310711 (VCV000310711.29), dbSNP rs117991621, ClinGen allele CA6727709.

ClinVar aggregate classification (germline): Conflicting classifications of pathogenicity. Review status: criteria provided, conflicting classifications (1 of 4 stars). 4 submissions from 4 submitters: Uncertain significance (1); Likely benign (2). 1 of the submissions does not count toward it. Last evaluated 2024-06-01.

Conditions:
HAL-related disorder. Also called: HAL-related condition.
Histidinemia. Also called: Hyperhistidinemia; HAL DEFICIENCY; HIS DEFICIENCY; HISTIDASE DEFICIENCY; HISTIDINE AMMONIA-LYASE DEFICIENCY; Deficiency of histidine ammonia-lyase. Identifiers: Orphanet 2157, MedGen C0220992, MONDO:0009345, OMIM 235800, HP:0010906.

Allele frequency attached by ClinVar (database versions not stated): 1000 Genomes Project 0.00100; 1000 Genomes Project 30x 0.00141; ExAC 0.00250; gnomAD 0.00268 and 0.00273; ESP Exome Variant Server 0.00269; TOPMed 0.00280.
gnomAD v4.1: 6,053 of 1,613,096 alleles (0.38%); highest among the groups gnomAD compares: Non-Finnish European, 0.46%; 16 homozygotes.

Submissions (9):

CeGaT Center for Human Genetics Tuebingen
Classification: Likely benign. Last evaluated: 2024-06-01. Review status: criteria provided, single submitter. Criteria: CeGaT Center For Human Genetics Tuebingen Variant Classification Criteria Version 2. Collection method: clinical testing. Allele origin: germline. Affected: yes. Observed: 1 variant allele.
Comment: HAL: BS2

Labcorp Genetics (formerly Invitae), Labcorp
Classification: Likely benign. Last evaluated: 2019-12-31. Review status: criteria provided, single submitter. Criteria: Invitae Variant Classification Sherloc (09022015). Collection method: clinical testing. Allele origin: germline.

Illumina Laboratory Services, Illumina
Classification: Uncertain significance for Histidinemia. Last evaluated: 2018-01-13. Review status: criteria provided, single submitter. Criteria: ICSL Variant Classification Criteria 13 December 2019. Collection method: clinical testing. Allele origin: germline.

PreventionGenetics, part of Exact Sciences
Classification: Likely benign for HAL-related condition. Last evaluated: 2022-03-03. Review status: no assertion criteria provided. Collection method: clinical testing. Allele origin: germline. Not counted in ClinVar's aggregate classification.
Comment: This variant is classified as likely benign based on ACMG/AMP sequence variant interpretation guidelines (Richards et al. 2015 PMID: 25741868, with internal and published modifications).

Dr. Peter K. Rogan Lab, Western University
No classification provided (evidence only). Condition: Clear cell carcinoma of kidney. Review status: no classification provided. Collection method: in vitro. Allele origin: not applicable. Functional consequence: retained intron. Not counted in ClinVar's aggregate classification.

Dr. Peter K. Rogan Lab, Western University
No classification provided (evidence only). Condition: Lung cancer. Review status: no classification provided. Collection method: in vitro. Allele origin: not applicable. Functional consequence: retained intron. Not counted in ClinVar's aggregate classification.

Dr. Peter K. Rogan Lab, Western University
No classification provided (evidence only). Condition: Colon adenocarcinoma. Review status: no classification provided. Collection method: in vitro. Allele origin: not applicable. Functional consequence: retained intron. Not counted in ClinVar's aggregate classification.

Dr. Peter K. Rogan Lab, Western University
No classification provided (evidence only). Condition: Hepatocellular carcinoma. Review status: no classification provided. Collection method: in vitro. Allele origin: not applicable. Functional consequence: retained intron. Not counted in ClinVar's aggregate classification.

Dr. Peter K. Rogan Lab, Western University
No classification provided (evidence only). Condition: Ovarian serous cystadenocarcinoma. Review status: no classification provided. Collection method: in vitro. Allele origin: not applicable. Functional consequence: retained intron. Not counted in ClinVar's aggregate classification.